The following is an entry in ClinVar:

NC_000006.11:g.(?_64940475)_(65336148_?)dup

Gene: EYS (eyes shut homolog; minus strand). Cytogenetic location: 6q12.
Variant type: Duplication.
Identifiers: ClinVar variation 1515977 (VCV001515977.5).

ClinVar aggregate classification (germline): Likely pathogenic (1 of 4 stars; one submission).

Submission:

Labcorp Genetics (formerly Invitae), Labcorp
Classification: Likely pathogenic. Last evaluated: 2021-08-04. Review status: criteria provided, single submitter. Criteria: Invitae Variant Classification Sherloc (09022015). Collection method: clinical testing. Allele origin: germline.
Comment: This variant results in a copy number gain of the genomic region encompassing exon(s) 23-31 of the EYS gene. While the exact position of this variant cannot be determined from the data, sub-genic copy number gains are generally in tandem (PMID: 25640679). This variant is predicted to be out-of-frame, and may result in an absent or disrupted protein product. Loss-of-function variants in EYS are known to be pathogenic (PMID: 18836446, 20333770). A similar copy number variant has been observed in individual(s) with clinical features retinitis pigmentosa (PMID: 31054281). In summary, the currently available evidence indicates that the variant is pathogenic, but additional data are needed to prove that conclusively. Therefore, this variant has been classified as Likely Pathogenic.

Literature cited by the submitters: PubMed 25640679; PubMed 18836446; PubMed 20333770; PubMed 31054281.